The following is an entry in ClinVar:

ClinVar aggregate classification (germline): Conflicting classifications of pathogenicity. Review status: criteria provided, conflicting classifications (1 of 4 stars). 4 submissions from 4 submitters: Uncertain significance (3); Likely benign (1). Last evaluated 2025-09-05.

Conditions:
Cardiomyopathy (CMYO). Also called: Cardiomyopathies. Identifiers: Orphanet 167848, MedGen C0878544, MONDO:0004994, HP:0001638. Inheritance: Various modes of inheritance.
Cardiovascular phenotype. Identifiers: MedGen CN230736.
Hypertrophic cardiomyopathy. Also called: HYPERTROPHIC MYOCARDIOPATHY. Identifiers: Orphanet 217569, MedGen C0007194, MeSH D002312, MONDO:0005045, HP:0001639.

Allele frequency attached by ClinVar (database versions not stated): ExAC 0.00002; gnomAD exomes 0.00001; gnomAD 0.00001.

Submissions (4):

Labcorp Genetics (formerly Invitae), Labcorp
Classification: Uncertain significance for Hypertrophic cardiomyopathy. Last evaluated: 2025-09-05. Review status: criteria provided, single submitter. Criteria: Invitae Variant Classification Sherloc (09022015). Collection method: clinical testing. Allele origin: germline.
Comment: This sequence change replaces serine, which is neutral and polar, with glycine, which is neutral and non-polar, at codon 296 of the MYBPC3 protein (p.Ser296Gly). The frequency data for this variant in the population databases is considered unreliable, as metrics indicate poor data quality at this position in the gnomAD database. This variant has not been reported in the literature in individuals affected with MYBPC3-related conditions. ClinVar contains an entry for this variant (Variation ID: 1171485). An algorithm developed to predict the effect of missense changes on protein structure and function (PolyPhen-2) suggests that this variant is likely to be disruptive. In summary, the available evidence is currently insufficient to determine the role of this variant in disease. Therefore, it has been classified as a Variant of Uncertain Significance.

Color Diagnostics, LLC DBA Color Health
Classification: Likely benign for Cardiomyopathy. Last evaluated: 2025-07-01. Review status: criteria provided, single submitter. Criteria: ACMG Guidelines, 2015. Collection method: clinical testing. Allele origin: germline.

Ambry Genetics
Classification: Uncertain significance for Cardiovascular phenotype. Last evaluated: 2024-11-18. Review status: criteria provided, single submitter. Criteria: Ambry Variant Classification Scheme 2023. Collection method: clinical testing. Allele origin: germline.
Comment: The p.S296G variant (also known as c.886A>G), located in coding exon 9 of the MYBPC3 gene, results from an A to G substitution at nucleotide position 886. The serine at codon 296 is replaced by glycine, an amino acid with similar properties. This amino acid position is highly conserved in available vertebrate species. In addition, the in silico prediction for this alteration is inconclusive. Based on the available evidence, the clinical significance of this variant remains unclear.

All of Us Research Program, National Institutes of Health
Classification: Uncertain significance for Hypertrophic cardiomyopathy. Last evaluated: 2024-08-08. Review status: criteria provided, single submitter. Criteria: ACMG Guidelines, 2015. Collection method: clinical testing. Allele origin: germline. Inheritance: Autosomal dominant inheritance. Observed: 2 variant alleles, 2 heterozygotes.
Comment: This missense variant replaces serine with glycine at codon 296 of the MYBPC3 protein. Computational prediction suggests that this variant may not impact protein structure and function (internally defined REVEL score threshold <= 0.5, PMID: 27666373). To our knowledge, functional studies have not been reported for this variant. This variant has not been reported in individuals affected with cardiovascular disorders in the literature. This variant has been identified in 2/218572 chromosomes in the general population by the Genome Aggregation Database (gnomAD). The available evidence is insufficient to determine the role of this variant in disease conclusively. Therefore, this variant is classified as a Variant of Uncertain Significance.

This study involves interpretation of variants in research participants for the purpose of population health screening. Participant phenotype was not available at the time of variant classification. Additional details can be found in publication PMID: 35346344, PMCID: PMC8962531

NM_000256.3(MYBPC3):c.886A>G (p.Ser296Gly)

Gene: MYBPC3 (myosin binding protein C3; minus strand). Cytogenetic location: 11p11.2.
Variant type: single nucleotide variant.
Coding change: c.886A>G on transcript NM_000256.3 (MANE Select); coding-DNA position 886, A replaced by G.
Protein change: p.Ser296Gly; replaces serine 296 with glycine.
Molecular consequence: missense variant.
Genome position (GRCh38, 1-based): chr11:47,347,445, T>C on the plus strand (A>G on the coding strand, the complement: MYBPC3 is on the minus strand). VCF-style: chr11-47347445-T-C. GRCh37 (hg19) VCF-style: chr11-47368996-T-C.
Other names: short protein forms S296G.
Identifiers: ClinVar variation 1171485 (VCV001171485.8), dbSNP rs768164989, ClinGen allele CA057219.